The following is an entry in ClinVar:

ClinVar aggregate classification (germline): Pathogenic (1 of 4 stars; one submission).

Conditions:
Charcot-Marie-Tooth disease type 4. Also called: Charcot-Marie-Tooth, Type 4; Charcot-Marie-Tooth disease, type IV. Identifiers: Orphanet 64749, MedGen C4082197, MONDO:0018995.

Submission:

Labcorp Genetics (formerly Invitae), Labcorp
Classification: Pathogenic for Charcot-Marie-Tooth disease type 4. Last evaluated: 2020-07-09. Review status: criteria provided, single submitter. Criteria: Invitae Variant Classification Sherloc (09022015). Collection method: clinical testing. Allele origin: germline.
Comment: This sequence change results in a premature translational stop signal in the PRX gene (p.Leu391Phefs*21). While this is not anticipated to result in nonsense mediated decay, it is expected to disrupt the last 1071 amino acids of the PRX protein. This variant is not present in population databases (ExAC no frequency). This variant has not been reported in the literature in individuals with PRX-related conditions. This variant disrupts the C-terminus of the PRX protein. Other variant(s) that disrupt this region (p.Arg1070*) have been determined to be pathogenic (PMID: 15197604, 15469949, 16770524, 22847150, 26059842). This suggests that variants that disrupt this region of the protein are likely to be causative of disease. For these reasons, this variant has been classified as Pathogenic.

Literature cited by the submitters: PubMed 15197604; PubMed 15469949; PubMed 16770524; PubMed 22847150; PubMed 26059842.

NM_181882.3(PRX):c.1171del (p.Leu391fs)

Gene: PRX (periaxin; minus strand). Cytogenetic location: 19q13.2.
Variant type: Deletion.
Coding change: c.1171del on transcript NM_181882.3 (MANE Select); coding-DNA position 1171, one base deleted (C; older notation c.1171delC).
Protein change: p.Leu391fs; shifts the reading frame from leucine 391.
Molecular consequence: frameshift variant. On other transcripts: 3 prime UTR variant (1).
Genome position (GRCh38, 1-based): chr19:40,397,181, G deleted on the plus strand (C on the coding strand, the reverse complement: PRX is on the minus strand). VCF-style (leftmost placement, unchanged base first): chr19-40397180-AG-A. GRCh37 (hg19) VCF-style: chr19-40903087-AG-A.
Other names: c.*1376del (NM_020956.2); short protein forms L391fs.
Identifiers: ClinVar variation 1075484 (VCV001075484.9), dbSNP rs2145731305, ClinGen allele CA2499225489.